The following is an entry in ClinVar:

NM_006642.5(SDCCAG8):c.1606C>T (p.His536Tyr)

Gene: SDCCAG8 (SHH signaling and ciliogenesis regulator SDCCAG8; plus strand). Cytogenetic location: 1q43.
Variant type: single nucleotide variant.
Coding change: c.1606C>T on transcript NM_006642.5 (MANE Select); coding-DNA position 1606, C replaced by T.
Protein change: p.His536Tyr; replaces histidine 536 with tyrosine.
Molecular consequence: missense variant.
Genome position (GRCh38, 1-based): chr1:243,378,853, C>T. VCF-style: chr1-243378853-C-T. GRCh37 (hg19) VCF-style: chr1-243542155-C-T.
Other names: c.703C>T, p.His235Tyr (NM_001350246.2, NM_001350247.2, NM_001350251.2); c.1702C>T, p.His568Tyr (NM_001350248.2); c.1312C>T, p.His438Tyr (NM_001350249.2); c.1606C>T (NM_006642.3); short protein forms H536Y, H568Y, H235Y, H438Y.
Identifiers: ClinVar variation 3582789 (VCV003582789.3).

ClinVar aggregate classification (germline): Uncertain significance. Review status: criteria provided, multiple submitters, no conflicts (2 of 4 stars). 3 submissions from 3 submitters: Uncertain significance (3). Last evaluated 2025-05-20.

Conditions:
Senior-Loken syndrome 7 (SLSN7). Identifiers: Orphanet 3156, MedGen C3150877, MONDO:0013326, OMIM 613615.
Bardet-Biedl syndrome 16 (BBS16). Identifiers: Orphanet 110, MedGen C3889474, MONDO:0014444, OMIM 615993.
Inborn genetic diseases. Identifiers: MedGen C0950123, MeSH D030342.
SDCCAG8-related disorder. Also called: SDCCAG8-Related Disorders; SDCCAG8-related condition.

gnomAD v4.1: 2 of 1,614,050 alleles (0.00012%); highest among the groups gnomAD compares: South Asian, 0.0022%; no homozygotes.

Submissions (3):

Ambry Genetics
Classification: Uncertain significance for Inborn genetic diseases. Last evaluated: 2025-05-20. Review status: criteria provided, single submitter. Criteria: Ambry Variant Classification Scheme 2023. Collection method: clinical testing. Allele origin: germline.

PreventionGenetics, part of Exact Sciences
Classification: Uncertain significance for SDCCAG8-related condition. Last evaluated: 2025-04-14. Review status: criteria provided, single submitter. Criteria: ACMG Guidelines, 2015. Collection method: clinical testing. Allele origin: germline.
Comment: The SDCCAG8 c.1606C>T variant is predicted to result in the amino acid substitution p.His536Tyr. To our knowledge, this variant has not been reported in the literature. This variant is reported in 0.0033% of alleles in individuals of South Asian descent in gnomAD. At this time, the clinical significance of this variant is uncertain due to the absence of conclusive functional and genetic evidence.

Fulgent Genetics
Classification: Uncertain significance for Senior-Loken syndrome 7; Bardet-Biedl syndrome 16. Last evaluated: 2024-05-22. Review status: criteria provided, single submitter. Criteria: ACMG Guidelines, 2015. Collection method: clinical testing. Allele origin: germline.